The following is an entry in ClinVar:

NM_005477.3(HCN4):c.1896G>A (p.Met632Ile)

Gene: HCN4 (hyperpolarization activated cyclic nucleotide gated potassium channel 4; minus strand). Cytogenetic location: 15q24.1.
Variant type: single nucleotide variant.
Coding change: c.1896G>A on transcript NM_005477.3 (MANE Select); coding-DNA position 1896, G replaced by A.
Protein change: p.Met632Ile; replaces methionine 632 with isoleucine.
Molecular consequence: missense variant.
Genome position (GRCh38, 1-based): chr15:73,325,037, C>T on the plus strand (G>A on the coding strand, the complement: HCN4 is on the minus strand). VCF-style: chr15-73325037-C-T. GRCh37 (hg19) VCF-style: chr15-73617378-C-T.
Other names: short protein forms M632I.
Identifiers: ClinVar variation 191453 (VCV000191453.13), dbSNP rs200737571, ClinGen allele CA236703.
Genomic context (GRCh38, chr15:73,325,037, plus strand): 5'-CAGCTTGGTCTCCTTGTTGCCCTTGGTGAGCACGCTGACCACGCCATGCTGGATGAAGTA[C>T]ATCTTCTTGCCAATGGTGCCTTCCCGGATGATGTAGTCCCCAGGCTGGAAGACCTCGAAA-3'
Protein context (NP_005468.1, residues 622-642): IIREGTIGKK[Met632Ile]YFIQHGVVSV

ClinVar aggregate classification (germline): Uncertain significance. Review status: criteria provided, multiple submitters, no conflicts (2 of 4 stars). 4 submissions from 4 submitters: Uncertain significance (4). Last evaluated 2026-01-12.

Conditions:
Cardiovascular phenotype. Identifiers: MedGen CN230736.
Brugada syndrome 8 (BRGDA8). Identifiers: Orphanet 130, MedGen C2751083, MONDO:0013148, OMIM 613123.

Allele frequency attached by ClinVar (database versions not stated): gnomAD exomes 0.00002 and 0.00003; TOPMed 0.00001; gnomAD 0.00001; ExAC 0.00002.
gnomAD v4.1: 37 of 1,614,114 alleles (0.0023%); highest among the groups gnomAD compares: Non-Finnish European, 0.00034%; no homozygotes.

Submissions (4):

Labcorp Genetics (formerly Invitae), Labcorp
Classification: Uncertain significance for Brugada syndrome 8. Last evaluated: 2026-01-12. Review status: criteria provided, single submitter. Criteria: Invitae Variant Classification Sherloc (09022015). Collection method: clinical testing. Allele origin: germline.
Comment: This sequence change replaces methionine, which is neutral and non-polar, with isoleucine, which is neutral and non-polar, at codon 632 of the HCN4 protein (p.Met632Ile). This variant is present in population databases (rs200737571, gnomAD 0.07%). This variant has not been reported in the literature in individuals affected with HCN4-related conditions. ClinVar contains an entry for this variant (Variation ID: 191453). Invitae Evidence Modeling of protein sequence and biophysical properties (such as structural, functional, and spatial information, amino acid conservation, physicochemical variation, residue mobility, and thermodynamic stability) indicates that this missense variant is expected to disrupt HCN4 protein function with a positive predictive value of 95%. In summary, the available evidence is currently insufficient to determine the role of this variant in disease. Therefore, it has been classified as a Variant of Uncertain Significance.

Ambry Genetics
Classification: Uncertain significance for Cardiovascular phenotype. Last evaluated: 2025-07-07. Review status: criteria provided, single submitter. Criteria: Ambry Variant Classification Scheme 2023. Collection method: clinical testing. Allele origin: germline.
Comment: The p.M632I variant (also known as c.1896G>A), located in coding exon 6 of the HCN4 gene, results from a G to A substitution at nucleotide position 1896. The methionine at codon 632 is replaced by isoleucine, an amino acid with highly similar properties. This amino acid position is highly conserved in available vertebrate species. In addition, this alteration is predicted to be deleterious by in silico analysis. Since supporting evidence is limited at this time, the clinical significance of this alteration remains unclear.

GeneDx
Classification: Uncertain significance. Last evaluated: 2022-12-01. Review status: criteria provided, single submitter. Criteria: GeneDx Variant Classification Process June 2021. Collection method: clinical testing. Allele origin: germline. Affected: yes.
Comment: Observed in one individual from a cohort of individuals not selected for cardiomyopathy, arrhythmia, or family history of sudden cardiac death, who underwent exome sequencing (Ng et al., 2013), although a follow-up cardiac evaluation was not reported; Identified independently and in conjunction with additional variants in individuals referred for cardiac genetic testing at GeneDx; segregation data are limited or absent at this time; In silico analysis supports that this missense variant has a deleterious effect on protein structure/function; This variant is associated with the following publications: (PMID: 23861362)

Biesecker Lab/Clinical Genomics Section, National Institutes of Health
Classification: Uncertain significance. Last evaluated: 2013-06-24. Review status: criteria provided, single submitter. Criteria: Ng et al. (Circ Cardiovasc Genet. 2013). Collection method: research. Allele origin: unknown. Observed: 1 variant allele. Study: ClinSeq.
Comment: The study set was not selected for affection status in relation to any cancer. Pathogenicity categories were based on literature curation. See Pubmed ID:23861362 for details.

Medical sequencing